The following is an entry in ClinVar:

NM_004119.3(FLT3):c.844G>A (p.Gly282Arg)

Gene: FLT3 (fms related receptor tyrosine kinase 3; minus strand). Cytogenetic location: 13q12.2.
Variant type: single nucleotide variant.
Coding change: c.844G>A on transcript NM_004119.3 (MANE Select); coding-DNA position 844, G replaced by A.
Protein change: p.Gly282Arg; replaces glycine 282 with arginine.
Molecular consequence: missense variant. On other transcripts: non-coding transcript variant (1).
Genome position (GRCh38, 1-based): chr13:28,049,673, C>T on the plus strand (G>A on the coding strand, the complement: FLT3 is on the minus strand). VCF-style: chr13-28049673-C-T. GRCh37 (hg19) VCF-style: chr13-28623810-C-T.
Other names: short protein forms G282R.
Identifiers: ClinVar variation 134450 (VCV000134450.1), dbSNP rs587778371, ClinGen allele CA159855.

ClinVar aggregate classification (germline): not provided (0 of 4 stars; one submission).

Allele frequency attached by ClinVar (database versions not stated): TOPMed 0.00002.
gnomAD v4.1: 68 of 1,614,078 alleles (0.0042%); highest among the groups gnomAD compares: Admixed American, 0.1%; 1 homozygote.

Submission:

ITMI
No classification provided. Condition: AllHighlyPenetrant. Last evaluated: 2013-09-19. Review status: no classification provided. Collection method: reference population. Allele origin: germline.
Comment: Please see associated publication for description of ethnicities

Literature cited by the submitters: PubMed 24728327.